The following is an entry in ClinVar:

NM_017612.5(ZCCHC8):c.830AAG[1] (p.Glu278del)

Gene: ZCCHC8 (zinc finger CCHC-type containing 8; minus strand). Cytogenetic location: 12q24.31.
Variant type: Microsatellite.
Coding change: c.830AAG[1] on transcript NM_017612.5 (MANE Select); one copy of the 3-base unit AAG starting at c.830; the reference has two copies in a row; one copy, 3 bases deleted.
Protein change: p.Glu278del; deletes glutamic acid 278.
Molecular consequence: inframe deletion.
Genome position (GRCh38, 1-based): chr12:122,481,985-122,481,987, CTT deleted on the plus strand (AAG on the coding strand, the reverse complement: ZCCHC8 is on the minus strand); deleting any 3 consecutive bases within chr12:122,481,985-122,481,992 gives the same sequence; the position shown is the placement nearest the transcript's 3' end. VCF-style (leftmost placement, unchanged base first): chr12-122481984-ACTT-A. GRCh37 (hg19) VCF-style: chr12-122966531-ACTT-A.
Other names: c.599AAG[1], p.Glu201del (NM_001350935.2); c.533AAG[1], p.Glu179del (NM_001350936.2); c.116AAG[1], p.Glu40del (NM_001350937.2, NM_001350938.2); c.833_835delAAG (NM_017612.4); short protein forms E179del, E201del, E278del, E40del.
Identifiers: ClinVar variation 1095314 (VCV001095314.28), dbSNP rs552902860, ClinGen allele CA6846352.

ClinVar aggregate classification (germline): Likely benign. Review status: criteria provided, multiple submitters, no conflicts (2 of 4 stars). 4 submissions from 4 submitters: Likely benign (3). 1 of the submissions does not count toward it. Last evaluated 2026-01-11.

Conditions:
ZCCHC8-related disorder. Also called: ZCCHC8-related condition.

Submissions (4):

Labcorp Genetics (formerly Invitae), Labcorp
Classification: Likely benign. Last evaluated: 2026-01-11. Review status: criteria provided, single submitter. Criteria: Invitae Variant Classification Sherloc (09022015). Collection method: clinical testing. Allele origin: germline.

Blueprint Genetics
Classification: Likely benign. Last evaluated: 2024-11-05. Review status: criteria provided, single submitter. Criteria: ACMG Guidelines, 2015. Collection method: clinical testing. Allele origin: germline.

CeGaT Center for Human Genetics Tuebingen
Classification: Likely benign. Last evaluated: 2024-07-01. Review status: criteria provided, single submitter. Criteria: CeGaT Center For Human Genetics Tuebingen Variant Classification Criteria Version 2. Collection method: clinical testing. Allele origin: germline. Affected: yes. Observed: 1 variant allele.
Comment: ZCCHC8: PM4:Supporting, BS1

PreventionGenetics, part of Exact Sciences
Classification: Likely benign for ZCCHC8-related condition. Last evaluated: 2022-04-19. Review status: no assertion criteria provided. Collection method: clinical testing. Allele origin: germline. Not counted in ClinVar's aggregate classification.
Comment: This variant is classified as likely benign based on ACMG/AMP sequence variant interpretation guidelines (Richards et al. 2015 PMID: 25741868, with internal and published modifications).